The following is an entry in ClinVar:

NM_001291415.2(KDM6A):c.3646T>G (p.Cys1216Gly)

Gene: KDM6A (lysine demethylase 6A; plus strand). Cytogenetic location: Xp11.3.
Variant type: single nucleotide variant.
Coding change: c.3646T>G on transcript NM_001291415.2 (MANE Select); coding-DNA position 3646, T replaced by G.
Protein change: p.Cys1216Gly; replaces cysteine 1216 with glycine.
Molecular consequence: missense variant. On other transcripts: non-coding transcript variant (1).
Genome position (GRCh38, 1-based): chrX:45,085,921, T>G. VCF-style: chrX-45085921-T-G. GRCh37 (hg19) VCF-style: chrX-44945166-T-G.
Other names: c.3511T>G, p.Cys1171Gly (NM_001291416.2, NM_001419811.1); c.3355T>G, p.Cys1119Gly (NM_001291417.2); c.3253T>G, p.Cys1085Gly (NM_001291418.2, NM_001419815.1); c.2602T>G, p.Cys868Gly (NM_001291421.2); c.3388T>G, p.Cys1130Gly (NM_001410742.1, NM_001419814.1); c.3646T>G, p.Cys1216Gly (NM_001419809.1); c.3544T>G, p.Cys1182Gly (NM_001419810.1, NM_001419813.1); c.3490T>G, p.Cys1164Gly (NM_001419812.1, NM_021140.4); short protein forms C1085G, C1119G, C1130G, C1164G, C1171G, C1182G, C1216G, C868G.
Identifiers: ClinVar variation 4074658 (VCV004074658.1).

ClinVar aggregate classification (germline): Uncertain significance (1 of 4 stars; one submission).

Submission:

GeneDx
Classification: Uncertain significance. Last evaluated: 2025-02-06. Review status: criteria provided, single submitter. Criteria: GeneDx Variant Classification Process June 2021. Collection method: clinical testing. Allele origin: germline. Affected: yes.
Comment: Not observed at significant frequency in large population cohorts (gnomAD); In silico analysis supports that this missense variant has a deleterious effect on protein structure/function; Has not been previously published as pathogenic or benign to our knowledge